The following is an entry in ClinVar:

ClinVar aggregate classification (germline): Uncertain significance (1 of 4 stars; one submission).

Conditions:
Early-infantile DEE. Also called: Early infantile epileptic encephalopathy with suppression bursts; Early infantile epileptic encephalopathy; Ohtahara syndrome. Identifiers: Orphanet 1934, MedGen C0393706, MONDO:0800491.

Submission:

Labcorp Genetics (formerly Invitae), Labcorp
Classification: Uncertain significance for Early-infantile DEE. Last evaluated: 2022-09-07. Review status: criteria provided, single submitter. Criteria: Invitae Variant Classification Sherloc (09022015). Collection method: clinical testing. Allele origin: germline.
Comment: In summary, the available evidence is currently insufficient to determine the role of this variant in disease. Therefore, it has been classified as a Variant of Uncertain Significance. Advanced modeling of protein sequence and biophysical properties (such as structural, functional, and spatial information, amino acid conservation, physicochemical variation, residue mobility, and thermodynamic stability) performed at Invitae indicates that this missense variant is expected to disrupt GNAO1 protein function. This variant has not been reported in the literature in individuals affected with GNAO1-related conditions. This variant is not present in population databases (gnomAD no frequency). This sequence change replaces arginine, which is basic and polar, with leucine, which is neutral and non-polar, at codon 162 of the GNAO1 protein (p.Arg162Leu).

NM_020988.3(GNAO1):c.485G>T (p.Arg162Leu)

Gene: GNAO1 (G protein subunit alpha o1; plus strand). Cytogenetic location: 16q13.
Variant type: single nucleotide variant.
Coding change: c.485G>T on transcript NM_020988.3 (MANE Select); coding-DNA position 485, G replaced by T.
Protein change: p.Arg162Leu; replaces arginine 162 with leucine.
Molecular consequence: missense variant.
Genome position (GRCh38, 1-based): chr16:56,334,749, G>T. VCF-style: chr16-56334749-G-T. GRCh37 (hg19) VCF-style: chr16-56368661-G-T.
Other names: c.485G>T, p.Arg162Leu (NM_138736.3); short protein forms R162L.
Identifiers: ClinVar variation 1719014 (VCV001719014.5), dbSNP rs1240134140, ClinGen allele CA395951416.